The following is an entry in ClinVar:

NM_001382391.1(CSPP1):c.1241A>T (p.Lys414Ile)

Gene: CSPP1 (centrosome and spindle pole associated protein 1; plus strand). Cytogenetic location: 8q13.2.
Variant type: single nucleotide variant.
Coding change: c.1241A>T on transcript NM_001382391.1 (MANE Select); coding-DNA position 1241, A replaced by T.
Protein change: p.Lys414Ile; replaces lysine 414 with isoleucine.
Molecular consequence: missense variant.
Genome position (GRCh38, 1-based): chr8:67,113,858, A>T. VCF-style: chr8-67113858-A-T. GRCh37 (hg19) VCF-style: chr8-68026093-A-T.
Other names: c.386A>T, p.Lys129Ile (NM_001291339.2); c.1160A>T, p.Lys387Ile (NM_001363131.2, NM_001363133.2); c.1241A>T, p.Lys414Ile (NM_001363132.2); c.1349A>T, p.Lys450Ile (NM_001364869.1); c.1169A>T, p.Lys390Ile (NM_001364870.1); c.1268A>T, p.Lys423Ile (NM_024790.7); short protein forms K450I, K390I, K423I, K129I, K414I, K387I.
Identifiers: ClinVar variation 1477330 (VCV001477330.9), dbSNP rs1231591915, ClinGen allele CA371197735.

ClinVar aggregate classification (germline): Uncertain significance. Review status: criteria provided, multiple submitters, no conflicts (2 of 4 stars). 2 submissions from 2 submitters: Uncertain significance (2). Last evaluated 2023-12-08.

Conditions:
Inborn genetic diseases. Identifiers: MedGen C0950123, MeSH D030342.
Joubert syndrome 21 (JBTS21). Identifiers: MedGen C3810212, MONDO:0014288, OMIM 615636.

Allele frequency attached by ClinVar (database versions not stated): gnomAD 0.00001; gnomAD exomes 0.00001; TOPMed 0.00001.
gnomAD v4.1: 11 of 1,574,936 alleles (0.0007%); highest among the groups gnomAD compares: Non-Finnish European, 0.00087%; no homozygotes.

Submissions (2):

Ambry Genetics
Classification: Uncertain significance for Inborn genetic diseases. Last evaluated: 2023-12-08. Review status: criteria provided, single submitter. Criteria: Ambry Variant Classification Scheme 2023. Collection method: clinical testing. Allele origin: germline.

Labcorp Genetics (formerly Invitae), Labcorp
Classification: Uncertain significance for Joubert syndrome 21. Last evaluated: 2021-04-13. Review status: criteria provided, single submitter. Criteria: Invitae Variant Classification Sherloc (09022015). Collection method: clinical testing. Allele origin: germline.
Comment: In summary, the available evidence is currently insufficient to determine the role of this variant in disease. Therefore, it has been classified as a Variant of Uncertain Significance. Algorithms developed to predict the effect of missense changes on protein structure and function are either unavailable or do not agree on the potential impact of this missense change (SIFT: "Deleterious"; PolyPhen-2: "Possibly Damaging"; Align-GVGD: "Class C0"). This variant has not been reported in the literature in individuals with CSPP1-related conditions. This variant is not present in population databases (ExAC no frequency). This sequence change replaces lysine with isoleucine at codon 423 of the CSPP1 protein (p.Lys423Ile). The lysine residue is highly conserved and there is a moderate physicochemical difference between lysine and isoleucine.